The following is an entry in ClinVar:

ClinVar aggregate classification (germline): Uncertain significance (1 of 4 stars; one submission).

Conditions:
Hereditary cancer-predisposing syndrome. Also called: Neoplastic Syndromes, Hereditary; Tumor predisposition; Hereditary Cancer Syndrome; Hereditary neoplastic syndrome. Identifiers: Orphanet 140162, MedGen C0027672, MeSH D009386, MONDO:0015356.

Submission:

Ambry Genetics
Classification: Uncertain significance for Hereditary cancer-predisposing syndrome. Last evaluated: 2025-12-29. Review status: criteria provided, single submitter. Criteria: Ambry Variant Classification Scheme 2023. Collection method: clinical testing. Allele origin: germline.
Comment: The p.F952S variant (also known as c.2855T>C), located in coding exon 9 of the BRCA1 gene, results from a T to C substitution at nucleotide position 2855. The phenylalanine at codon 952 is replaced by serine, an amino acid with highly dissimilar properties. This amino acid position is conserved. In addition, this alteration is predicted to be tolerated by in silico analysis. Based on the available evidence, the clinical significance of this variant remains unclear.

NM_007294.4(BRCA1):c.2855T>C (p.Phe952Ser)

Gene: BRCA1 (BRCA1 DNA repair associated; minus strand). Cytogenetic location: 17q21.31.
Variant type: single nucleotide variant.
Coding change: c.2855T>C on transcript NM_007294.4 (MANE Select); coding-DNA position 2855, T replaced by C.
Protein change: p.Phe952Ser; replaces phenylalanine 952 with serine.
Molecular consequence: missense variant. On other transcripts: intron variant (137).
Genome position (GRCh38, 1-based): chr17:43,092,676, A>G on the plus strand (T>C on the coding strand, the complement: BRCA1 is on the minus strand). VCF-style: chr17-43092676-A-G. GRCh37 (hg19) VCF-style: chr17-41244693-A-G.
Other names: c.2642T>C, p.Phe881Ser (NM_001407571.1, NM_001407896.1, NM_001407897.1 and 9 more transcripts); c.2855T>C, p.Phe952Ser (NM_001407581.1, NM_001407582.1, NM_001407583.1 and 30 more transcripts); c.2852T>C, p.Phe951Ser (NM_001407587.1, NM_001407590.1, NM_001407591.1 and 22 more transcripts); c.2645T>C, p.Phe882Ser (NM_001407900.1, NM_001407902.1, NM_001407904.1 and 13 more transcripts); c.2732T>C, p.Phe911Ser (NM_001407676.1, NM_001407677.1, NM_001407678.1 and 19 more transcripts); c.2777T>C, p.Phe926Ser (NM_001407657.1, NM_001407658.1, NM_001407663.1 and 4 more transcripts); c.2774T>C, p.Phe925Ser (NM_001407659.1, NM_001407660.1, NM_001407661.1 and 1 more transcripts); c.2714T>C, p.Phe905Ser (NM_001407696.1, NM_001407697.1, NM_001407698.1 and 29 more transcripts); and 41 more; short protein forms F656S, F911S, F949S, F952S, F824S, F825S, F840S, F864S.
Identifiers: ClinVar variation 4828308 (VCV004828308.1).